The following is an entry in ClinVar:

ClinVar aggregate classification (germline): Likely benign. Review status: criteria provided, single submitter (1 of 4 stars). 3 submissions from 3 submitters: Likely benign (1). 2 of the submissions do not count toward it. Last evaluated 2026-01-31.

Conditions:
Progressive familial intrahepatic cholestasis type 2. Identifiers: Orphanet 79304, MedGen C3489789, MONDO:0011156, OMIM 601847.
ABCB11-related disorder. Also called: ABCB11-related condition.

Allele frequency attached by ClinVar (database versions not stated): gnomAD exomes 0.00010 and 0.00013; ESP Exome Variant Server 0.00016; ExAC 0.00017; TOPMed 0.00023; gnomAD 0.00024 and 0.00026; 1000 Genomes Project 0.00040; 1000 Genomes Project 30x 0.00047.
gnomAD v4.1: 191 of 1,613,756 alleles (0.012%); highest among the groups gnomAD compares: African/African-American, 0.072%; 1 homozygote.

Submissions (3):

Labcorp Genetics (formerly Invitae), Labcorp
Classification: Likely benign. Last evaluated: 2026-01-31. Review status: criteria provided, single submitter. Criteria: Invitae Variant Classification Sherloc (09022015). Collection method: clinical testing. Allele origin: germline.

PreventionGenetics, part of Exact Sciences
Classification: Likely benign for ABCB11-related condition. Last evaluated: 2021-09-09. Review status: no assertion criteria provided. Collection method: clinical testing. Allele origin: germline. Not counted in ClinVar's aggregate classification.
Comment: This variant is classified as likely benign based on ACMG/AMP sequence variant interpretation guidelines (Richards et al. 2015 PMID: 25741868, with internal and published modifications).

Natera, Inc.
Classification: Likely benign for Progressive familial intrahepatic cholestasis type 2. Last evaluated: 2020-03-20. Review status: no assertion criteria provided. Collection method: clinical testing. Allele origin: germline. Not counted in ClinVar's aggregate classification.

NM_003742.4(ABCB11):c.3846C>T (p.Asn1282=)

Gene: ABCB11 (ATP binding cassette subfamily B member 11; minus strand). Cytogenetic location: 2q31.1.
Variant type: single nucleotide variant.
Coding change: c.3846C>T on transcript NM_003742.4 (MANE Select); coding-DNA position 3846, C replaced by T.
Protein change: p.Asn1282=; no amino-acid change (asparagine 1282 retained).
Molecular consequence: synonymous variant.
Genome position (GRCh38, 1-based): chr2:168,923,742, G>A on the plus strand (C>T on the coding strand, the complement: ABCB11 is on the minus strand). VCF-style: chr2-168923742-G-A. GRCh37 (hg19) VCF-style: chr2-169780252-G-A.
Identifiers: ClinVar variation 722574 (VCV000722574.14), dbSNP rs369538863, ClinGen allele CA1950914.